The following is an entry in ClinVar:

NM_000104.4(CYP1B1):c.1425_1428del (p.Ser476fs)

Genes: CYP1B1 (cytochrome P450 family 1 subfamily B member 1; minus strand), LOC128772254 (melanoma risk locus-associated MPRA allelic enhancer 2:38298139; plus strand). Cytogenetic location: 2p22.2.
Variant type: Deletion.
Coding change: c.1425_1428del on transcript NM_000104.4 (MANE Select); coding-DNA positions 1425 to 1428, 4 bases deleted (TTCT; older notation c.1425_1428delTTCT).
Protein change: p.Ser476fs; shifts the reading frame from serine 476.
Molecular consequence: frameshift variant.
Genome position (GRCh38, 1-based): chr2:38,070,926-38,070,929, AGAA deleted on the plus strand (TTCT on the coding strand, the reverse complement: CYP1B1 is on the minus strand); deleting any 4 consecutive bases within chr2:38,070,926-38,070,931 gives the same sequence; the c. name uses the placement nearest the transcript's 3' end. VCF-style (leftmost placement, unchanged base first): chr2-38070925-TAGAA-T. GRCh37 (hg19) VCF-style: chr2-38298068-TAGAA-T.
Other names: short protein forms S476fs.
Identifiers: ClinVar variation 2720250 (VCV002720250.3), dbSNP rs2465878465, ClinGen allele CA2697548002.

ClinVar aggregate classification (germline): Pathogenic (1 of 4 stars; one submission).

Conditions:
Congenital glaucoma. Identifiers: MedGen C0020302, MONDO:0020366.

Submission:

Labcorp Genetics (formerly Invitae), Labcorp
Classification: Pathogenic for Congenital glaucoma. Last evaluated: 2023-06-20. Review status: criteria provided, single submitter. Criteria: Invitae Variant Classification Sherloc (09022015). Collection method: clinical testing. Allele origin: germline.
Comment: This sequence change creates a premature translational stop signal (p.Ser476Argfs*27) in the CYP1B1 gene. While this is not anticipated to result in nonsense mediated decay, it is expected to disrupt the last 68 amino acid(s) of the CYP1B1 protein. This variant is not present in population databases (gnomAD no frequency). This variant has not been reported in the literature in individuals affected with CYP1B1-related conditions. This variant disrupts a region of the CYP1B1 protein in which other variant(s) (p.Met503*) have been determined to be pathogenic (PMID: 17591938). This suggests that this is a clinically significant region of the protein, and that variants that disrupt it are likely to be disease-causing. For these reasons, this variant has been classified as Pathogenic.

Literature cited by the submitters: PubMed 17591938.